The following is an entry in ClinVar:

NR_186857.1(ORAI1):n.371C>A

Genes: ORAI1 (ORAI calcium release-activated calcium modulator 1; plus strand), LOC130008987 (ATAC-STARR-seq lymphoblastoid silent region 4981; plus strand). Cytogenetic location: 12q24.31.
Variant type: single nucleotide variant.
Molecular consequence: non-coding transcript variant (on NR_186857.1).
Genome position: GRCh38 VCF-style: chr12-121626900-C-A. GRCh37 (hg19) VCF-style: chr12-122064806-C-A.
Identifiers: ClinVar variation 5041418 (VCV005041418.1).

ClinVar aggregate classification (germline): Likely benign (1 of 4 stars; one submission).

Submission:

CeGaT Center for Human Genetics Tuebingen
Classification: Likely benign. Last evaluated: 2026-09-01. Review status: criteria provided, single submitter. Criteria: CeGaT Center For Human Genetics Tuebingen Variant Classification Criteria Version 2. Collection method: clinical testing. Allele origin: germline. Affected: yes. Observed: 1 variant allele.
Comment: ORAI1: BP4, BP7